The following is an entry in ClinVar:

ClinVar aggregate classification (germline): Uncertain significance (1 of 4 stars; one submission).

Conditions:
MDFIC-related disorder. Also called: MDFIC-related condition.

gnomAD v4.1: 233 of 1,614,172 alleles (0.014%); highest among the groups gnomAD compares: Non-Finnish European, 0.018%; no homozygotes.

Submission:

PreventionGenetics, part of Exact Sciences
Classification: Uncertain significance for MDFIC-related condition. Last evaluated: 2025-08-27. Review status: criteria provided, single submitter. Criteria: ACMG Guidelines, 2015. Collection method: clinical testing. Allele origin: germline.
Comment: The MDFIC c.923C>A variant is predicted to result in the amino acid substitution p.Ala308Asp. To our knowledge, this variant has not been reported in the literature. This variant is reported in 0.015% of alleles in individuals of European (Non-Finnish) descent in gnomAD. At this time, the clinical significance of this variant is uncertain due to the absence of conclusive functional and genetic evidence.

NM_001166345.3(MDFIC):c.596C>A (p.Ala199Asp)

Gene: MDFIC (MyoD family inhibitor domain containing; plus strand). Cytogenetic location: 7q31.2.
Variant type: single nucleotide variant.
Coding change: c.596C>A on transcript NM_001166345.3 (MANE Select); coding-DNA position 596, C replaced by A.
Protein change: p.Ala199Asp; replaces alanine 199 with aspartic acid.
Molecular consequence: missense variant.
Genome position (GRCh38, 1-based): chr7:115,015,790, C>A. VCF-style: chr7-115015790-C-A. GRCh37 (hg19) VCF-style: chr7-114655844-C-A.
Other names: c.923C>A, p.Ala308Asp (NM_199072.5); short protein forms A308D, A199D.
Identifiers: ClinVar variation 4981456 (VCV004981456.1).